The following is an entry in ClinVar:

NM_012073.5(CCT5):c.994-17C>G

Gene: CCT5 (chaperonin containing TCP1 subunit 5; plus strand). Cytogenetic location: 5p15.2.
Variant type: single nucleotide variant.
Coding change: c.994-17C>G on transcript NM_012073.5 (MANE Select); 17 bases into the intron before coding-DNA position 994, C replaced by G.
Molecular consequence: intron variant.
Genome position (GRCh38, 1-based): chr5:10,261,543, C>G. VCF-style: chr5-10261543-C-G. GRCh37 (hg19) VCF-style: chr5-10261655-C-G.
Other names: c.931-17C>G (NM_001306153.1); c.829-17C>G (NM_001306154.2); c.880-17C>G (NM_001306156.2); c.715-17C>G (NM_001306155.2).
Identifiers: ClinVar variation 3014885 (VCV003014885.3), dbSNP rs769470413, ClinGen allele CA3198229.

ClinVar aggregate classification (germline): Uncertain significance (1 of 4 stars; one submission).

Conditions:
Hereditary sensory and autonomic neuropathy with spastic paraplegia (HSNSP). Identifiers: Orphanet 139578, MedGen C1850395, MONDO:0009748, OMIM 256840.

Allele frequency attached by ClinVar (database versions not stated): ExAC 0.00002.
gnomAD v4.1: 10 of 1,613,246 alleles (0.00062%); highest among the groups gnomAD compares: Admixed American, 0.005%; no homozygotes.

Submission:

Labcorp Genetics (formerly Invitae), Labcorp
Classification: Uncertain significance for Hereditary sensory and autonomic neuropathy with spastic paraplegia. Last evaluated: 2023-08-20. Review status: criteria provided, single submitter. Criteria: Invitae Variant Classification Sherloc (09022015). Collection method: clinical testing. Allele origin: germline.
Comment: Algorithms developed to predict the effect of sequence changes on RNA splicing suggest that this variant may disrupt the consensus splice site. In summary, the available evidence is currently insufficient to determine the role of this variant in disease. Therefore, it has been classified as a Variant of Uncertain Significance. This sequence change falls in intron 7 of the CCT5 gene. It does not directly change the encoded amino acid sequence of the CCT5 protein. This variant is present in population databases (rs769470413, gnomAD 0.006%). This variant has not been reported in the literature in individuals affected with CCT5-related conditions.